The following is an entry in ClinVar:

NM_001283009.2(RTEL1):c.2860C>A (p.Gln954Lys)

Genes: RTEL1 (regulator of telomere elongation helicase 1; plus strand), RTEL1-TNFRSF6B (RTEL1-TNFRSF6B readthrough (NMD candidate); plus strand). Cytogenetic location: 20q13.33.
Variant type: single nucleotide variant.
Coding change: c.2860C>A on transcript NM_001283009.2 (MANE Select); coding-DNA position 2860, C replaced by A.
Protein change: p.Gln954Lys; replaces glutamine 954 with lysine.
Molecular consequence: missense variant. On other transcripts: non-coding transcript variant (1).
Genome position (GRCh38, 1-based): chr20:63,693,151, C>A. VCF-style: chr20-63693151-C-A. GRCh37 (hg19) VCF-style: chr20-62324504-C-A.
Other names: c.2191C>A, p.Gln731Lys (NM_001283010.1); c.2860C>A, p.Gln954Lys (NM_016434.4); c.2932C>A, p.Gln978Lys (NM_032957.5); short protein forms Q954K, Q731K, Q978K.
Identifiers: ClinVar variation 1415707 (VCV001415707.5), dbSNP rs1159070520, ClinGen allele CA409683184.

ClinVar aggregate classification (germline): Uncertain significance (1 of 4 stars; one submission).

Conditions:
Dyskeratosis congenita, autosomal recessive 5 (DKCB5). Identifiers: MedGen C3554656, MONDO:0014076, OMIM 615190.
Pulmonary fibrosis and/or bone marrow failure, Telomere-related, 3. Also called: PULMONARY FIBROSIS AND/OR BONE MARROW FAILURE SYNDROME, TELOMERE-RELATED, 3. Identifiers: Orphanet 2032, MedGen C4225346, MONDO:0014613, OMIM 616373.

Submission:

Labcorp Genetics (formerly Invitae), Labcorp
Classification: Uncertain significance for Dyskeratosis congenita, autosomal recessive 5; Pulmonary fibrosis and/or bone marrow failure, Telomere-related, 3. Last evaluated: 2021-09-17. Review status: criteria provided, single submitter. Criteria: Invitae Variant Classification Sherloc (09022015). Collection method: clinical testing. Allele origin: germline.
Comment: This sequence change replaces glutamine with lysine at codon 954 of the RTEL1 protein (p.Gln954Lys). The glutamine residue is moderately conserved and there is a small physicochemical difference between glutamine and lysine. This variant is not present in population databases (ExAC no frequency). This variant has not been reported in the literature in individuals with RTEL1-related conditions. Algorithms developed to predict the effect of missense changes on protein structure and function are either unavailable or do not agree on the potential impact of this missense change (SIFT: "Deleterious"; PolyPhen-2: "Possibly Damaging"; Align-GVGD: "Class C0"). In summary, the available evidence is currently insufficient to determine the role of this variant in disease. Therefore, it has been classified as a Variant of Uncertain Significance.